The following is an entry in ClinVar:

NM_000719.7(CACNA1C):c.5285G>C (p.Gly1762Ala)

Genes: CACNA1C (calcium voltage-gated channel subunit alpha1 C; plus strand), CACNA1C-AS1 (CACNA1C antisense RNA 1; minus strand). Cytogenetic location: 12p13.33.
Variant type: single nucleotide variant.
Coding change: c.5285G>C on transcript NM_000719.7 (MANE Select); coding-DNA position 5285, G replaced by C.
Protein change: p.Gly1762Ala; replaces glycine 1762 with alanine.
Molecular consequence: missense variant.
Genome position (GRCh38, 1-based): chr12:2,679,637, G>C. VCF-style: chr12-2679637-G-C. GRCh37 (hg19) VCF-style: chr12-2788803-G-C.
Other names: c.5429G>C, p.Gly1810Ala (NM_001129827.2, NM_199460.4); c.5408G>C, p.Gly1803Ala (NM_001129829.2); c.5285G>C, p.Gly1762Ala (NM_001129830.3, NM_001129840.2, NM_001129841.2 and 4 more transcripts); c.5369G>C, p.Gly1790Ala (NM_001129831.2); c.5345G>C, p.Gly1782Ala (NM_001129832.2); c.5342G>C, p.Gly1781Ala (NM_001129833.2, NM_001129834.2, NM_001129835.2); c.5336G>C, p.Gly1779Ala (NM_001129836.2); c.5309G>C, p.Gly1770Ala (NM_001129837.2, NM_001129838.2); and 3 more; short protein forms G1781A, G1810A, G1759A, G1762A, G1779A, G1790A, G1751A, G1770A.
Identifiers: ClinVar variation 3709357 (VCV003709357.2).

ClinVar aggregate classification (germline): Uncertain significance (1 of 4 stars; one submission).

Conditions:
Long QT syndrome (LQTS). Identifiers: MedGen C0023976, MeSH D008133, MONDO:0002442. Disease mechanism: loss of function. Inheritance: Various modes of inheritance.

Submission:

Labcorp Genetics (formerly Invitae), Labcorp
Classification: Uncertain significance for Long QT syndrome. Last evaluated: 2024-07-10. Review status: criteria provided, single submitter. Criteria: Invitae Variant Classification Sherloc (09022015). Collection method: clinical testing. Allele origin: germline.
Comment: This sequence change replaces glycine, which is neutral and non-polar, with alanine, which is neutral and non-polar, at codon 1762 of the CACNA1C protein (p.Gly1762Ala). This variant is not present in population databases (gnomAD no frequency). This variant has not been reported in the literature in individuals affected with CACNA1C-related conditions. Advanced modeling of protein sequence and biophysical properties (such as structural, functional, and spatial information, amino acid conservation, physicochemical variation, residue mobility, and thermodynamic stability) performed at Invitae indicates that this missense variant is not expected to disrupt CACNA1C protein function with a negative predictive value of 95%. In summary, the available evidence is currently insufficient to determine the role of this variant in disease. Therefore, it has been classified as a Variant of Uncertain Significance.